The following is an entry in ClinVar:

ClinVar aggregate classification (germline): Likely pathogenic (0 of 4 stars; one submission).

Conditions:
Hereditary factor IX deficiency disease (HEMB). Also called: PLASMA THROMBOPLASTIN COMPONENT DEFICIENCY; Hemophilia B; Christmas Disease; F9 DEFICIENCY; FACTOR IX DEFICIENCY. Identifiers: Orphanet 98879, MedGen C0008533, MeSH D002836, MONDO:0010604, OMIM 306900.

Submission:

Angelo Bianchi Bonomi Hemophilia and Thrombosis Center, Fondazione IRCCS Ca Granda Ospedale Maggiore Policlinico
Classification: Likely pathogenic for Hereditary factor IX deficiency disease. Last evaluated: 2019-06-01. Review status: no assertion criteria provided. Collection method: clinical testing. Allele origin: germline. Affected: yes. Observed: 1 variant allele.
Comment: analyzed by Polyphen and Sift

NM_000133.4(F9):c.1005C>G (p.Cys335Trp)

Gene: F9 (coagulation factor IX; plus strand). Cytogenetic location: Xq27.1.
Variant type: single nucleotide variant.
Coding change: c.1005C>G on transcript NM_000133.4 (MANE Select); coding-DNA position 1005, C replaced by G.
Protein change: p.Cys335Trp; replaces cysteine 335 with tryptophan.
Molecular consequence: missense variant.
Genome position (GRCh38, 1-based): chrX:139,561,690, C>G. VCF-style: chrX-139561690-C-G. GRCh37 (hg19) VCF-style: chrX-138643849-C-G.
Other names: c.891C>G, p.Cys297Trp (NM_001313913.2); short protein forms C297W, C335W.
Identifiers: ClinVar variation 973811 (VCV000973811.2), dbSNP rs1928110579, ClinGen allele CA414445330.